The following is an entry in ClinVar:

NM_000051.4(ATM):c.6912_6913delinsTT (p.Glu2304_Gln2305delinsAspTer)

Genes: ATM (ATM serine/threonine kinase; plus strand), C11orf65 (chromosome 11 open reading frame 65; minus strand). Cytogenetic location: 11q22.3.
Variant type: Indel.
Coding change: c.6912_6913delinsTT on transcript NM_000051.4 (MANE Select); coding-DNA positions 6912 to 6913, GC replaced by TT.
Protein change: p.Glu2304_Gln2305delinsAspTer.
Molecular consequence: nonsense. On other transcripts: intron variant (2).
Genome position (GRCh38, 1-based): chr11:108,326,162-108,326,163, GC replaced by TT. VCF-style: chr11-108326162-GC-TT. GRCh37 (hg19) VCF-style: chr11-108196889-GC-TT.
Other names: c.6912_6913delinsTT, p.Glu2304_Gln2305delinsAspTer (NM_001351834.2); c.641-17092_641-17091delinsAA (NM_001330368.2); c.*38+9057_*38+9058delinsAA (NM_001351110.2).
Identifiers: ClinVar variation 3647638 (VCV003647638.2).

ClinVar aggregate classification (germline): Pathogenic (1 of 4 stars; one submission).

Conditions:
Ataxia-telangiectasia syndrome (AT). Also called: Ataxia-telangiectasia, complementation group D; AT, COMPLEMENTATION GROUP C; ATAXIA-TELANGIECTASIA, COMPLEMENTATION GROUP A; ATAXIA-TELANGIECTASIA, FRESNO VARIANT; Ataxia-telangiectasia; Ataxia-telangiectasia, complementation group E. Identifiers: Orphanet 100, MedGen C0004135, MONDO:0008840, OMIM 208900.

Submission:

Labcorp Genetics (formerly Invitae), Labcorp
Classification: Pathogenic for Ataxia-telangiectasia syndrome. Last evaluated: 2024-03-26. Review status: criteria provided, single submitter. Criteria: Invitae Variant Classification Sherloc (09022015). Collection method: clinical testing. Allele origin: germline.
Comment: This sequence change creates a premature translational stop signal (p.Glu2304_Gln2305delinsAsp*) in the ATM gene. It is expected to result in an absent or disrupted protein product. Loss-of-function variants in ATM are known to be pathogenic (PMID: 23807571, 25614872). Information on the frequency of this variant in the gnomAD database is not available, as this variant may be reported differently in the database. This variant has not been reported in the literature in individuals affected with ATM-related conditions. For these reasons, this variant has been classified as Pathogenic.

Literature cited by the submitters: PubMed 23807571; PubMed 25614872.